The following is an entry in ClinVar:

NM_001142800.2(EYS):c.6289G>C (p.Val2097Leu)

Gene: EYS (EGF-like photoreceptor maintenance factor; minus strand). Cytogenetic location: 6q12.
Variant type: single nucleotide variant.
Coding change: c.6289G>C on transcript NM_001142800.2 (MANE Select); coding-DNA position 6289, G replaced by C.
Protein change: p.Val2097Leu; replaces valine 2097 with leucine.
Molecular consequence: missense variant.
Genome position (GRCh38, 1-based): chr6:64,230,727, C>G on the plus strand (G>C on the coding strand, the complement: EYS is on the minus strand). VCF-style: chr6-64230727-C-G. GRCh37 (hg19) VCF-style: chr6-64940620-C-G.
Other names: c.6289G>C, p.Val2097Leu (NM_001292009.2); short protein forms V2097L.
Identifiers: ClinVar variation 2988467 (VCV002988467.3), dbSNP rs756911123, ClinGen allele CA364391432.
Genomic context (GRCh38, chr6:64,230,727, plus strand): 5'-TGGCATGGCATGTGCCTCCATTGTGGCATACATCCTGCTGGCACACAGAGGGTGCTGCAA[C>G]AGAGGGGCTGACAGAAGTCCACATGGTATCAACCCCTTGTGTCACATCAGAAGCATCAAC-3'
Protein context (NP_001136272.1, residues 2087-2107): DTMWTSVSPS[Val2097Leu]AAPSVCQQDV

ClinVar aggregate classification (germline): Uncertain significance (1 of 4 stars; one submission).

gnomAD v4.1: 1 of 1,551,584 alleles (0.000064%); no homozygotes.

Submission:

Labcorp Genetics (formerly Invitae), Labcorp
Classification: Uncertain significance. Last evaluated: 2023-04-14. Review status: criteria provided, single submitter. Criteria: Invitae Variant Classification Sherloc (09022015). Collection method: clinical testing. Allele origin: germline.
Comment: Algorithms developed to predict the effect of missense changes on protein structure and function output the following: SIFT: "Not Available"; PolyPhen-2: "Benign"; Align-GVGD: "Not Available". The leucine amino acid residue is found in multiple mammalian species, which suggests that this missense change does not adversely affect protein function. In summary, the available evidence is currently insufficient to determine the role of this variant in disease. Therefore, it has been classified as a Variant of Uncertain Significance. This sequence change replaces valine, which is neutral and non-polar, with leucine, which is neutral and non-polar, at codon 2097 of the EYS protein (p.Val2097Leu). This variant is not present in population databases (gnomAD no frequency). This variant has not been reported in the literature in individuals affected with EYS-related conditions.